The following is an entry in ClinVar:

NM_002734.5(PRKAR1A):c.822G>C (p.Val274=)

Gene: PRKAR1A (protein kinase cAMP-dependent type I regulatory subunit alpha; plus strand). Cytogenetic location: 17q24.2.
Variant type: single nucleotide variant.
Coding change: c.822G>C on transcript NM_002734.5 (MANE Select); coding-DNA position 822, G replaced by C.
Protein change: p.Val274=; no amino-acid change (valine 274 retained).
Molecular consequence: synonymous variant.
Genome position (GRCh38, 1-based): chr17:68,528,922, G>C. VCF-style: chr17-68528922-G-C. GRCh37 (hg19) VCF-style: chr17-66525063-G-C.
Other names: c.822G>C, p.Val274= (NM_001276289.2, NM_001276290.1, NM_001278433.2 and 4 more transcripts).
Identifiers: ClinVar variation 4083894 (VCV004083894.8).

ClinVar aggregate classification (germline): Likely benign (1 of 4 stars; one submission).

Submission:

CeGaT Center for Human Genetics Tuebingen
Classification: Likely benign. Last evaluated: 2025-08-01. Review status: criteria provided, single submitter. Criteria: CeGaT Center For Human Genetics Tuebingen Variant Classification Criteria Version 2. Collection method: clinical testing. Allele origin: germline. Affected: yes. Observed: 1 variant allele.
Comment: PRKAR1A: PM2:Supporting, BP4, BP7